The following is an entry in ClinVar:

NM_001165963.4(SCN1A):c.3783C>A (p.Tyr1261Ter)

Genes: SCN1A (sodium voltage-gated channel alpha subunit 1; minus strand), LOC102724058 (uncharacterized LOC102724058; plus strand). Cytogenetic location: 2q24.3.
Variant type: single nucleotide variant.
Coding change: c.3783C>A on transcript NM_001165963.4 (MANE Select); coding-DNA position 3783, C replaced by A.
Protein change: p.Tyr1261Ter; replaces tyrosine 1261 with a stop codon.
Molecular consequence: nonsense. On other transcripts: non-coding transcript variant (1).
Genome position (GRCh38, 1-based): chr2:166,012,205, G>T on the plus strand (C>A on the coding strand, the complement: SCN1A is on the minus strand). VCF-style: chr2-166012205-G-T. GRCh37 (hg19) VCF-style: chr2-166868715-G-T.
Other names: c.3699C>A, p.Tyr1233Ter (NM_001165964.3, NM_001353957.2, NM_001353958.2); c.3783C>A, p.Tyr1261Ter (NM_001202435.3, NM_001353948.2); c.3750C>A, p.Tyr1250Ter (NM_001353949.2, NM_001353950.2, NM_001353951.2 and 2 more transcripts); c.3747C>A, p.Tyr1249Ter (NM_001353954.2, NM_001353955.2); c.3696C>A, p.Tyr1232Ter (NM_001353960.2); c.1341C>A, p.Tyr447Ter (NM_001353961.2); c.3783C>A (NM_001165963.1); short protein forms Y1250*, Y447*, Y1249*, Y1261*, Y1232*, Y1233*.
Identifiers: ClinVar variation 1445904 (VCV001445904.7), dbSNP rs1043031572, ClinGen allele CA349054375.

ClinVar aggregate classification (germline): Pathogenic. Review status: criteria provided, multiple submitters, no conflicts (2 of 4 stars). 2 submissions from 2 submitters: Pathogenic (2). Last evaluated 2024-02-24.

Conditions:
Early-infantile DEE. Also called: Early infantile epileptic encephalopathy; Ohtahara syndrome; Early infantile epileptic encephalopathy with suppression bursts. Identifiers: Orphanet 1934, MedGen C0393706, MONDO:0800491.

Submissions (2):

Labcorp Genetics (formerly Invitae), Labcorp
Classification: Pathogenic for Early-infantile DEE. Last evaluated: 2024-02-24. Review status: criteria provided, single submitter. Criteria: Invitae Variant Classification Sherloc (09022015). Collection method: clinical testing. Allele origin: germline.
Comment: This sequence change creates a premature translational stop signal (p.Tyr1261*) in the SCN1A gene. It is expected to result in an absent or disrupted protein product. Loss-of-function variants in SCN1A are known to be pathogenic (PMID: 17347258, 18930999). This variant is not present in population databases (gnomAD no frequency). This premature translational stop signal has been observed in individual(s) with Dravet syndrome (PMID: 18930999). In at least one individual the variant was observed to be de novo. ClinVar contains an entry for this variant (Variation ID: 1445904). For these reasons, this variant has been classified as Pathogenic.

GeneDx
Classification: Pathogenic. Last evaluated: 2022-09-27. Review status: criteria provided, single submitter. Criteria: GeneDx Variant Classification Process June 2021. Collection method: clinical testing. Allele origin: germline. Affected: yes.
Comment: Nonsense variant predicted to result in protein truncation or nonsense mediated decay in a gene for which loss of function is a known mechanism of disease; Not observed at significant frequency in large population cohorts (gnomAD); This variant is associated with the following publications: (PMID: 25525159, 32090326, 17347258, 18930999)

Literature cited by the submitters: PubMed 17347258 (cited by Labcorp Genetics (formerly Invitae), Labcorp); PubMed 18930999 (cited by Labcorp Genetics (formerly Invitae), Labcorp).